The following is an entry in ClinVar:

NM_001918.5(DBT):c.1208C>A (p.Ser403Ter)

Gene: DBT (dihydrolipoamide branched chain transacylase E2; minus strand). Cytogenetic location: 1p21.2.
Variant type: single nucleotide variant.
Coding change: c.1208C>A on transcript NM_001918.5 (MANE Select); coding-DNA position 1208, C replaced by A.
Protein change: p.Ser403Ter; replaces serine 403 with a stop codon.
Molecular consequence: nonsense.
Genome position (GRCh38, 1-based): chr1:100,206,446, G>T on the plus strand (C>A on the coding strand, the complement: DBT is on the minus strand). VCF-style: chr1-100206446-G-T. GRCh37 (hg19) VCF-style: chr1-100672002-G-T.
Other names: short protein forms S403*.
Identifiers: ClinVar variation 984205 (VCV000984205.3), dbSNP rs1661796496, ClinGen allele CA341330277.

ClinVar aggregate classification (germline): Likely pathogenic (1 of 4 stars; one submission).

Conditions:
Maple syrup urine disease (MSUD). Identifiers: Orphanet 511, MedGen C0024776, MeSH D008375, MONDO:0009563. Disease mechanism: loss of function.

Submission:

Myriad Genetics, Inc.
Classification: Likely pathogenic for Maple syrup urine disease type 1A. Last evaluated: 2019-10-01. Review status: criteria provided, single submitter. Criteria: Myriad Women's Health Autosomal Recessive and X-Linked Classification Criteria (2019). Collection method: clinical testing. Allele origin: unknown.
Comment: NM_001918.3(DBT):c.1208C>A(S403*) is expected to be pathogenic in the context of maple syrup urine disease type II. This variant is predicted to lead to an abnormal or absent protein product due to the creation of a premature termination codon in DBT, a gene where loss-of-function variants are known to be pathogenic. Please note: this variant was assessed in the context of healthy population screening.